The following is an entry in ClinVar:

NM_022841.7(RFX7):c.125C>T (p.Ala42Val)

Gene: RFX7 (regulatory factor X7; minus strand). Cytogenetic location: 15q21.3.
Variant type: single nucleotide variant.
Coding change: c.125C>T on transcript NM_022841.7 (MANE Select); coding-DNA position 125, C replaced by T.
Protein change: p.Ala42Val; replaces alanine 42 with valine.
Molecular consequence: missense variant. On other transcripts: 5 prime UTR variant (1).
Genome position (GRCh38, 1-based): chr15:56,243,161, G>A on the plus strand (C>T on the coding strand, the complement: RFX7 is on the minus strand). VCF-style: chr15-56243161-G-A. GRCh37 (hg19) VCF-style: chr15-56535359-G-A.
Other names: c.-133C>T (NM_001368073.2); c.125C>T, p.Ala42Val (NM_001370561.1); short protein forms A42V.
Identifiers: ClinVar variation 1334681 (VCV001334681.4), dbSNP rs1167732658, ClinGen allele CA490543077.

ClinVar aggregate classification (germline): Uncertain significance (1 of 4 stars; one submission).

Submission:

Greenwood Genetic Center Diagnostic Laboratories, Greenwood Genetic Center
Classification: Uncertain significance. Last evaluated: 2021-11-18. Review status: criteria provided, single submitter. Criteria: ACMG Guidelines, 2015. Collection method: clinical testing. Allele origin: germline. Affected: yes.
Comment: PM2